The following is an entry in ClinVar:

ClinVar aggregate classification (germline): Benign. Review status: criteria provided, multiple submitters, no conflicts (2 of 4 stars). 2 submissions from 2 submitters: Benign (2). Last evaluated 2018-06-19.

Allele frequency attached by ClinVar (database versions not stated): 1000 Genomes Project 0.08706; 1000 Genomes Project 30x 0.08807; TOPMed 0.11938.
gnomAD v4.1: 55,248 of 393,566 alleles (14%); highest among the groups gnomAD compares: Non-Finnish European, 18%; 4,755 homozygotes.

Submissions (2):

GeneDx
Classification: Benign. Last evaluated: 2018-06-19. Review status: criteria provided, single submitter. Criteria: GeneDx Variant Classification (06012015). Collection method: clinical testing. Allele origin: germline. Affected: yes.
Comment: This variant is considered likely benign or benign based on one or more of the following criteria: it is a conservative change, it occurs at a poorly conserved position in the protein, it is predicted to be benign by multiple in silico algorithms, and/or has population frequency not consistent with disease.

Breakthrough Genomics
Classification: Benign. Review status: criteria provided, single submitter. Criteria: ACMG Guidelines, 2015. Collection method: not provided. Allele origin: germline. Inheritance: Autosomal dominant inheritance. Affected: yes.

NM_000744.7(CHRNA4):c.77-303G>C

Genes: CHRNA4 (cholinergic receptor nicotinic alpha 4 subunit; minus strand), LOC100130587 (uncharacterized LOC100130587; plus strand). Cytogenetic location: 20q13.33.
Variant type: single nucleotide variant.
Coding change: c.77-303G>C on transcript NM_000744.7 (MANE Select); 303 bases into the intron before coding-DNA position 77, G replaced by C.
Molecular consequence: intron variant. On other transcripts: non-coding transcript variant (1).
Genome position (GRCh38, 1-based): chr20:63,360,002, C>G on the plus strand (G>C on the coding strand, the complement: CHRNA4 is on the minus strand). VCF-style: chr20-63360002-C-G. GRCh37 (hg19) VCF-style: chr20-61991354-C-G.
Other names: c.-470-303G>C (NM_001256573.2).
Identifiers: ClinVar variation 668934 (VCV000668934.2), dbSNP rs45568238, ClinGen allele CA14813094.